The following is an entry in ClinVar:

NM_005984.5(SLC25A1):c.770G>A (p.Arg257Gln)

Gene: SLC25A1 (solute carrier family 25 member 1; minus strand). Cytogenetic location: 22q11.21.
Variant type: single nucleotide variant.
Coding change: c.770G>A on transcript NM_005984.5 (MANE Select); coding-DNA position 770, G replaced by A.
Protein change: p.Arg257Gln; replaces arginine 257 with glutamine.
Molecular consequence: missense variant. On other transcripts: non-coding transcript variant (1).
Genome position (GRCh38, 1-based): chr22:19,176,472, C>T on the plus strand (G>A on the coding strand, the complement: SLC25A1 is on the minus strand). VCF-style: chr22-19176472-C-T. GRCh37 (hg19) VCF-style: chr22-19163985-C-T.
Other names: c.791G>A, p.Arg264Gln (NM_001256534.2); c.461G>A, p.Arg154Gln (NM_001287387.2); short protein forms R154Q, R257Q, R264Q.
Identifiers: ClinVar variation 2053795 (VCV002053795.2), dbSNP rs781929221, ClinGen allele CA10097297.

ClinVar aggregate classification (germline): Uncertain significance. Review status: criteria provided, multiple submitters, no conflicts (2 of 4 stars). 2 submissions from 2 submitters: Uncertain significance (2). Last evaluated 2022-04-18.

Allele frequency attached by ClinVar (database versions not stated): gnomAD exomes 0.00003; gnomAD 0.00007; ExAC 0.00009; TOPMed 0.00009.
gnomAD v4.1: 50 of 1,613,720 alleles (0.0031%); highest among the groups gnomAD compares: East Asian, 0.033%; no homozygotes.

Submissions (2):

Labcorp Genetics (formerly Invitae), Labcorp
Classification: Uncertain significance. Last evaluated: 2022-04-18. Review status: criteria provided, single submitter. Criteria: Invitae Variant Classification Sherloc (09022015). Collection method: clinical testing. Allele origin: germline.
Comment: This sequence change replaces arginine, which is basic and polar, with glutamine, which is neutral and polar, at codon 257 of the SLC25A1 protein (p.Arg257Gln). This variant is present in population databases (rs781929221, gnomAD 0.1%). This variant has not been reported in the literature in individuals affected with SLC25A1-related conditions. Algorithms developed to predict the effect of missense changes on protein structure and function (SIFT, PolyPhen-2, Align-GVGD) all suggest that this variant is likely to be tolerated. In summary, the available evidence is currently insufficient to determine the role of this variant in disease. Therefore, it has been classified as a Variant of Uncertain Significance.

Breakthrough Genomics
Classification: Uncertain significance. Review status: criteria provided, single submitter. Criteria: ACMG Guidelines, 2015. Collection method: not provided. Allele origin: germline. Inheritance: Autosomal dominant inheritance. Affected: yes.